The following is an entry in ClinVar:

NM_001379451.1(BCORL1):c.3625G>A (p.Ala1209Thr)

Gene: BCORL1 (BCL6 corepressor like 1; plus strand). Cytogenetic location: Xq26.1.
Variant type: single nucleotide variant.
Coding change: c.3625G>A on transcript NM_001379451.1 (MANE Select); coding-DNA position 3625, G replaced by A.
Protein change: p.Ala1209Thr; replaces alanine 1209 with threonine.
Molecular consequence: missense variant.
Genome position (GRCh38, 1-based): chrX:130,022,914, G>A. VCF-style: chrX-130022914-G-A. GRCh37 (hg19) VCF-style: chrX-129156889-G-A.
Other names: c.3625G>A, p.Ala1209Thr (NM_001184772.3, NM_001379450.1, NM_021946.5); short protein forms A1209T.
Identifiers: ClinVar variation 2442544 (VCV002442544.1), dbSNP rs2522743263, ClinGen allele CA414596836.
Genomic context (GRCh38, chrX:130,022,914, plus strand): 5'-GTAACATTTCTGCCTTCTGTCCCCAAACCACACATCACTCCAGGTTCCTTGGAAAAGAAA[G>A]CAAAGAGCAGTTTCCGTGACTTTATTCCTGTGGTTCTGAGCACCCGCACGCGCAGTCAGT-3'
Protein context (NP_001366380.1, residues 1199-1219): SHEEGSLEKK[Ala1209Thr]KSSFRDFIPV

ClinVar aggregate classification (germline): Uncertain significance (1 of 4 stars; one submission).

Submission:

GeneDx
Classification: Uncertain significance. Last evaluated: 2022-08-31. Review status: criteria provided, single submitter. Criteria: GeneDx Variant Classification Process June 2021. Collection method: clinical testing. Allele origin: germline. Affected: yes.
Comment: Not observed at significant frequency in large population cohorts (gnomAD); In silico analysis supports that this missense variant does not alter protein structure/function; Has not been previously published as pathogenic or benign to our knowledge